The following is an entry in ClinVar:

ClinVar aggregate classification (germline): Likely benign (1 of 4 stars; one submission).

gnomAD v4.1: 2 of 1,610,798 alleles (0.00012%); highest among the groups gnomAD compares: African/African-American, 0.0013%; no homozygotes.

Submission:

CeGaT Center for Human Genetics Tuebingen
Classification: Likely benign. Last evaluated: 2022-09-01. Review status: criteria provided, single submitter. Criteria: CeGaT Center For Human Genetics Tuebingen Variant Classification Criteria Version 2. Collection method: clinical testing. Allele origin: germline. Affected: yes. Observed: 1 variant allele.
Comment: HSPH1: PM2:Supporting, BP4, BP7

NM_006644.4(HSPH1):c.280T>C (p.Leu94=)

Gene: HSPH1 (heat shock protein family H (Hsp110) member 1; minus strand). Cytogenetic location: 13q12.3.
Variant type: single nucleotide variant.
Coding change: c.280T>C on transcript NM_006644.4 (MANE Select); coding-DNA position 280, T replaced by C.
Protein change: p.Leu94=; no amino-acid change (leucine 94 retained).
Molecular consequence: synonymous variant.
Genome position (GRCh38, 1-based): chr13:31,155,540, A>G on the plus strand (T>C on the coding strand, the complement: HSPH1 is on the minus strand). VCF-style: chr13-31155540-A-G. GRCh37 (hg19) VCF-style: chr13-31729677-A-G.
Other names: c.280T>C, p.Leu94= (NM_001286503.2, NM_001349704.2); c.286T>C, p.Leu96= (NM_001286504.1, NM_001286505.1).
Identifiers: ClinVar variation 2643715 (VCV002643715.24), dbSNP rs2500452798, ClinGen allele CA483258874.